The following is an entry in ClinVar:

ClinVar aggregate classification (germline): Uncertain significance (1 of 4 stars; one submission).

gnomAD v4.1: 1 of 1,610,278 alleles (0.000062%); highest among the groups gnomAD compares: Non-Finnish European, 0.000085%; no homozygotes.

Submission:

GeneDx
Classification: Uncertain significance. Last evaluated: 2024-05-12. Review status: criteria provided, single submitter. Criteria: GeneDx Variant Classification Process June 2021. Collection method: clinical testing. Allele origin: germline. Affected: yes.
Comment: Not observed at significant frequency in large population cohorts (gnomAD); In silico analysis indicates that this missense variant does not alter protein structure/function; Has not been previously published as pathogenic or benign to our knowledge

NM_001375524.1(TRRAP):c.4252A>G (p.Ile1418Val)

Gene: TRRAP (transformation/transcription domain associated protein; plus strand). Cytogenetic location: 7q22.1.
Variant type: single nucleotide variant.
Coding change: c.4252A>G on transcript NM_001375524.1 (MANE Select); coding-DNA position 4252, A replaced by G.
Protein change: p.Ile1418Val; replaces isoleucine 1418 with valine.
Molecular consequence: missense variant.
Genome position (GRCh38, 1-based): chr7:98,937,668, A>G. VCF-style: chr7-98937668-A-G. GRCh37 (hg19) VCF-style: chr7-98535291-A-G.
Other names: c.4252A>G, p.Ile1418Val (NM_001244580.2, NM_003496.4); short protein forms I1418V.
Identifiers: ClinVar variation 3378249 (VCV003378249.1).